The following is an entry in ClinVar:

NM_033446.3(MVB12B):c.468G>A (p.Thr156=)

Gene: MVB12B (multivesicular body subunit 12B; plus strand). Cytogenetic location: 9q33.3.
Variant type: single nucleotide variant.
Coding change: c.468G>A on transcript NM_033446.3 (MANE Select); coding-DNA position 468, G replaced by A.
Protein change: p.Thr156=; no amino-acid change (threonine 156 retained).
Molecular consequence: synonymous variant.
Genome position (GRCh38, 1-based): chr9:126,392,124, G>A. VCF-style: chr9-126392124-G-A. GRCh37 (hg19) VCF-style: chr9-129154403-G-A.
Other names: c.468G>A, p.Thr156= (NM_001011703.3).
Identifiers: ClinVar variation 2659497 (VCV002659497.24), dbSNP rs138999709, ClinGen allele CA5241993.

ClinVar aggregate classification (germline): Likely benign (1 of 4 stars; one submission).

Allele frequency attached by ClinVar (database versions not stated): gnomAD exomes 0.00005; ExAC 0.00013; gnomAD 0.00039; 1000 Genomes Project 0.00040; 1000 Genomes Project 30x 0.00047; TOPMed 0.00050; ESP Exome Variant Server 0.00054.
gnomAD v4.1: 131 of 1,614,198 alleles (0.0081%); highest among the groups gnomAD compares: African/African-American, 0.15%; no homozygotes.

Submission:

CeGaT Center for Human Genetics Tuebingen
Classification: Likely benign. Last evaluated: 2022-12-01. Review status: criteria provided, single submitter. Criteria: CeGaT Center For Human Genetics Tuebingen Variant Classification Criteria Version 2. Collection method: clinical testing. Allele origin: germline. Affected: yes. Observed: 1 variant allele.
Comment: MVB12B: BP4, BP7